The following is an entry in ClinVar:

ClinVar aggregate classification (germline): Uncertain significance (1 of 4 stars; one submission).

Allele frequency attached by ClinVar (database versions not stated): gnomAD 0.00001; TOPMed 0.00001.
gnomAD v4.1: 14 of 1,551,466 alleles (0.0009%); highest among the groups gnomAD compares: African/African-American, 0.0014%; no homozygotes.

Submission:

Labcorp Genetics (formerly Invitae), Labcorp
Classification: Uncertain significance. Last evaluated: 2022-10-13. Review status: criteria provided, single submitter. Criteria: Invitae Variant Classification Sherloc (09022015). Collection method: clinical testing. Allele origin: germline.
Comment: This sequence change replaces valine, which is neutral and non-polar, with isoleucine, which is neutral and non-polar, at codon 2097 of the EYS protein (p.Val2097Ile). This variant is present in population databases (rs756911123, gnomAD 0.002%). This variant has not been reported in the literature in individuals affected with EYS-related conditions. Algorithms developed to predict the effect of missense changes on protein structure and function (SIFT, PolyPhen-2, Align-GVGD) all suggest that this variant is likely to be tolerated. In summary, the available evidence is currently insufficient to determine the role of this variant in disease. Therefore, it has been classified as a Variant of Uncertain Significance.

NM_001142800.2(EYS):c.6289G>A (p.Val2097Ile)

Gene: EYS (eyes shut homolog; minus strand). Cytogenetic location: 6q12.
Variant type: single nucleotide variant.
Coding change: c.6289G>A on transcript NM_001142800.2 (MANE Select); coding-DNA position 6289, G replaced by A.
Protein change: p.Val2097Ile; replaces valine 2097 with isoleucine.
Molecular consequence: missense variant.
Genome position (GRCh38, 1-based): chr6:64,230,727, C>T on the plus strand (G>A on the coding strand, the complement: EYS is on the minus strand). VCF-style: chr6-64230727-C-T. GRCh37 (hg19) VCF-style: chr6-64940620-C-T.
Other names: c.6289G>A, p.Val2097Ile (NM_001292009.2); short protein forms V2097I.
Identifiers: ClinVar variation 1948666 (VCV001948666.2), dbSNP rs756911123, ClinGen allele CA140296098.